The following is an entry in ClinVar:

ClinVar aggregate classification (germline): Pathogenic/Likely pathogenic. Review status: criteria provided, multiple submitters, no conflicts (2 of 4 stars). 4 submissions from 4 submitters: Pathogenic (1); Likely pathogenic (3). Last evaluated 2025-02-19.

Conditions:
Central core myopathy (CMYO1A). Also called: Central core disease; Myopathy, central fibrillar; CONGENITAL MYOPATHY 1A, AUTOSOMAL DOMINANT, WITH SUSCEPTIBILITY TO MALIGNANT HYPERTHERMIA. Identifiers: Orphanet 597, MedGen C5830701, MONDO:0007294, OMIM 117000.
King Denborough syndrome (KDS). Identifiers: MedGen C1840365, MONDO:0020485, OMIM 619542.
RYR1-related disorder. Also called: RYR1-related disorders; RYR1-related condition. Identifiers: MedGen CN239331.

Submissions (4):

Labcorp Genetics (formerly Invitae), Labcorp
Classification: Pathogenic for RYR1-related disorder. Last evaluated: 2025-02-19. Review status: criteria provided, single submitter. Criteria: Invitae Variant Classification Sherloc (09022015). Collection method: clinical testing. Allele origin: germline.
Comment: This sequence change replaces glycine, which is neutral and non-polar, with serine, which is neutral and polar, at codon 5006 of the RYR1 protein (p.Gly5006Ser). This variant is not present in population databases (gnomAD no frequency). This missense change has been observed in individual(s) with RYR1-related myopathy (PMID: 27447704; ClinVar Variation ID 590479, internal data). In at least one individual the variant was observed to be de novo. ClinVar contains an entry for this variant (Variation ID: 590479). Invitae Evidence Modeling of protein sequence and biophysical properties (such as structural, functional, and spatial information, amino acid conservation, physicochemical variation, residue mobility, and thermodynamic stability) indicates that this missense variant is expected to disrupt RYR1 protein function with a positive predictive value of 80%. This variant disrupts the p.Gly5006 amino acid residue in RYR1. Other variant(s) that disrupt this residue have been observed in individuals with RYR1-related conditions (internal data), which suggests that this may be a clinically significant amino acid residue. For these reasons, this variant has been classified as Pathogenic.

PreventionGenetics, part of Exact Sciences
Classification: Likely pathogenic. Last evaluated: 2023-06-23. Review status: criteria provided, single submitter. Criteria: ACMG Guidelines, 2015. Collection method: clinical testing. Allele origin: germline.

Kariminejad - Najmabadi Pathology & Genetics Center
Classification: Likely pathogenic for Central core myopathy; King Denborough syndrome. Last evaluated: 2022-06-09. Review status: criteria provided, single submitter. Criteria: ACMG Guidelines, 2015. Collection method: clinical testing. Allele origin: germline. Inheritance: Autosomal dominant inheritance. Affected: yes.
Comment: PM2, PP3, PP5, PM6

Broad Center for Mendelian Genomics, Broad Institute of MIT and Harvard
Classification: Likely pathogenic for Central core myopathy. Last evaluated: 2018-06-15. Review status: criteria provided, single submitter. Criteria: ACMG Guidelines, 2015. Collection method: research. Allele origin: germline. Inheritance: Autosomal dominant inheritance. Affected: yes.
Comment: Trio exome analysis showed this variant to be de novo. This variant was absent from large population studies. Computational prediction tools and conservation analyses suggest that this variant may impact the protein, though this information is not predictive enough to definitively determine pathogenicity. In summary, although additional studies are required to fully establish its pathogenicity, this variant is likely pathogenic.

Literature cited by the submitters: PubMed 27447704 (cited by Labcorp Genetics (formerly Invitae), Labcorp); PubMed 590479 (cited by Labcorp Genetics (formerly Invitae), Labcorp).

NM_000540.3(RYR1):c.15016G>A (p.Gly5006Ser)

Gene: RYR1 (ryanodine receptor 1; plus strand). Cytogenetic location: 19q13.2.
Variant type: single nucleotide variant.
Coding change: c.15016G>A on transcript NM_000540.3 (MANE Select); coding-DNA position 15016, G replaced by A.
Protein change: p.Gly5006Ser; replaces glycine 5006 with serine.
Molecular consequence: missense variant.
Genome position (GRCh38, 1-based): chr19:38,586,571, G>A. VCF-style: chr19-38586571-G-A. GRCh37 (hg19) VCF-style: chr19-39077211-G-A.
Other names: c.15001G>A, p.Gly5001Ser (NM_001042723.2); short protein forms G5006S, G5001S.
Identifiers: ClinVar variation 590479 (VCV000590479.15), dbSNP rs1568614042, ClinGen allele CA405693838.